The following is an entry in ClinVar:

ClinVar aggregate classification (germline): Conflicting classifications of pathogenicity. Review status: criteria provided, conflicting classifications (1 of 4 stars). 5 submissions from 5 submitters: Uncertain significance (4); Likely benign (1). Last evaluated 2025-11-18.

Conditions:
Tuberous sclerosis syndrome (TSC). Also called: Tuberous Sclerosis Complex; Tuberous sclerosis. Identifiers: Orphanet 805, MedGen C0041341, MONDO:0001734.
Tuberous sclerosis 1 (TSC1). Identifiers: Orphanet 805, MedGen C1854465, MONDO:0008612, OMIM 191100.
Hereditary cancer-predisposing syndrome. Also called: Hereditary neoplastic syndrome; Neoplastic Syndromes, Hereditary; Tumor predisposition; Hereditary Cancer Syndrome. Identifiers: Orphanet 140162, MedGen C0027672, MeSH D009386, MONDO:0015356.

Submissions (5):

Labcorp Genetics (formerly Invitae), Labcorp
Classification: Likely benign for Tuberous sclerosis 1. Last evaluated: 2025-11-18. Review status: criteria provided, single submitter. Criteria: Invitae Variant Classification Sherloc (09022015). Collection method: clinical testing. Allele origin: germline.

Women's Health and Genetics/Laboratory Corporation of America, LabCorp
Classification: Uncertain significance. Last evaluated: 2025-04-21. Review status: criteria provided, single submitter. Criteria: LabCorp Variant Classification Summary - May 2015. Collection method: clinical testing. Allele origin: germline.
Comment: Variant summary: TSC1 c.2949_2957delAGAAGCAGC (p.Ala988_Glu990del) results in an in-frame deletion that is predicted to remove three amino acids from the encoded protein. The variant was absent in 251418 control chromosomes. The available data on variant occurrences in the general population are insufficient to allow any conclusion about variant significance. To our knowledge, no occurrence of c.2949_2957delAGAAGCAGC in individuals affected with Tuberous Sclerosis Complex and no experimental evidence demonstrating its impact on protein function have been reported. ClinVar contains an entry for this variant (Variation ID: 411258). Based on the evidence outlined above, the variant was classified as uncertain significance.

Ambry Genetics
Classification: Uncertain significance for Hereditary cancer-predisposing syndrome. Last evaluated: 2023-10-10. Review status: criteria provided, single submitter. Criteria: Ambry Variant Classification Scheme 2023. Collection method: clinical testing. Allele origin: germline.
Comment: The c.2949_2957delAGAAGCAGC variant (also known as p.A988_E990del) is located in coding exon 20 of the TSC1 gene. This variant results from an in-frame AGAAGCAGC deletion at nucleotide positions 2949 to 2957. This results in the in-frame deletion of 3 amino acids (AAE) at codon 988. This amino acid region is well conserved in available vertebrate species. In addition, this alteration is predicted to be neutral by in silico analysis (Choi Y et al. PLoS ONE. 2012; 7(10):e46688). Since supporting evidence is limited at this time, the clinical significance of this alteration remains unclear.

All of Us Research Program, National Institutes of Health
Classification: Uncertain significance for Tuberous sclerosis syndrome. Last evaluated: 2023-03-28. Review status: criteria provided, single submitter. Criteria: ACMG Guidelines, 2015. Collection method: clinical testing. Allele origin: germline. Inheritance: Autosomal dominant inheritance. Observed: 1 variant allele, 1 heterozygote.
Comment: This study involves interpretation of variants in research participants for the purpose of population health screening. Participant phenotype was not available at the time of variant classification. Additional details can be found in publication PMID: 35346344, PMCID: PMC8962531

GeneDx
Classification: Uncertain significance. Last evaluated: 2023-02-22. Review status: criteria provided, single submitter. Criteria: GeneDx Variant Classification Process June 2021. Collection method: clinical testing. Allele origin: germline. Affected: yes.
Comment: Not observed at significant frequency in large population cohorts (gnomAD); In-frame deletion of 3 amino acids in a non-repeat region; In silico analysis supports that this variant does not alter protein structure/function; Has not been previously published as pathogenic or benign to our knowledge; This variant is associated with the following publications: (PMID: 18466115)

NM_000368.5(TSC1):c.2949_2957del (p.985AAE[1])

Gene: TSC1 (TSC complex subunit 1; minus strand). Cytogenetic location: 9q34.13.
Variant type: Deletion.
Coding change: c.2949_2957del on transcript NM_000368.5 (MANE Select); coding-DNA positions 2949 to 2957, 9 bases deleted (AGAAGCAGC; older notation c.2949_2957delAGAAGCAGC).
Protein change: p.985AAE[1].
Molecular consequence: inframe deletion.
Genome position (GRCh38, 1-based): chr9:132,897,202-132,897,210, GCTGCTTCT deleted on the plus strand (AGAAGCAGC on the coding strand, the reverse complement: TSC1 is on the minus strand); deleting any 9 consecutive bases within chr9:132,897,202-132,897,213 gives the same sequence; the c. name uses the placement nearest the transcript's 3' end. VCF-style (leftmost placement, unchanged base first): chr9-132897201-AGCTGCTTCT-A. GRCh37 (hg19) VCF-style: chr9-135772588-AGCTGCTTCT-A.
Other names: c.2949_2957delAGAAGCAGC (NM_000368.4, NM_000368.5); c.2946_2954del, p.984AAE[1] (NM_001162426.2); c.2796_2804del, p.934AAE[1] (NM_001162427.2); c.2586_2594del, p.864AAE[1] (NM_001362177.2).
Identifiers: ClinVar variation 411258 (VCV000411258.13), dbSNP rs767902029, ClinGen allele CA035109.